The following is an entry in ClinVar:

ClinVar aggregate classification (germline): Likely pathogenic (1 of 4 stars; one submission).

Conditions:
Muscular dystrophy-dystroglycanopathy (congenital with brain and eye anomalies), type A, 7. Also called: WALKER-WARBURG SYNDROME OR MUSCLE-EYE-BRAIN DISEASE, ISPD-RELATED; Congenital muscular dystrophy-dystroglycanopathy with brain and eye anomalies, type A7. Identifiers: Orphanet 899, MedGen C3553330, MONDO:0013835, OMIM 614643.
Autosomal recessive limb-girdle muscular dystrophy type 2U. Also called: MUSCULAR DYSTROPHY, LIMB-GIRDLE, TYPE 2U; Muscular dystrophy-dystroglycanopathy (limb-girdle), type c, 7. Identifiers: Orphanet 352479, MedGen C5190987, MONDO:0014474, OMIM 616052.

Submission:

Labcorp Genetics (formerly Invitae), Labcorp
Classification: Likely pathogenic for Muscular dystrophy-dystroglycanopathy (congenital with brain and eye anomalies), type A, 7; Autosomal recessive limb-girdle muscular dystrophy type 2U. Last evaluated: 2025-07-30. Review status: criteria provided, single submitter. Criteria: Invitae Variant Classification Sherloc (09022015). Collection method: clinical testing. Allele origin: germline.
Comment: This sequence change affects an acceptor splice site in intron 2 of the ISPD gene. It is expected to disrupt RNA splicing. Variants that disrupt the donor or acceptor splice site typically lead to a loss of protein function (PMID: 16199547), and loss-of-function variants in ISPD are known to be pathogenic (PMID: 23288328). This variant is not present in population databases (gnomAD no frequency). This variant has not been reported in the literature in individuals affected with ISPD-related conditions. ClinVar contains an entry for this variant (Variation ID: 3748182). Algorithms developed to predict the effect of sequence changes on RNA splicing suggest that this variant may disrupt the consensus splice site. In summary, the currently available evidence indicates that the variant is pathogenic, but additional data are needed to prove that conclusively. Therefore, this variant has been classified as Likely Pathogenic.

Literature cited by the submitters: PubMed 16199547; PubMed 23288328.

NM_001101426.4(CRPPA):c.535-1G>A

Gene: CRPPA (CDP-L-ribitol pyrophosphorylase A; minus strand). Cytogenetic location: 7p21.2.
Variant type: single nucleotide variant.
Coding change: c.535-1G>A on transcript NM_001101426.4 (MANE Select); the canonical splice acceptor site of the intron before coding-DNA position 535, G replaced by A.
Molecular consequence: splice acceptor variant. On other transcripts: intron variant (1).
Genome position (GRCh38, 1-based): chr7:16,376,242, C>T on the plus strand (G>A on the coding strand, the complement: CRPPA is on the minus strand). VCF-style: chr7-16376242-C-T. GRCh37 (hg19) VCF-style: chr7-16415867-C-T.
Other names: c.534+29819G>A (NM_001101417.4); c.535-1G>A (NM_001368197.1).
Identifiers: ClinVar variation 3748182 (VCV003748182.2).
Genomic context (GRCh38, chr7:16,376,242, plus strand): 5'-GCAACCATCAGCAGATGGACTGACGACAGTAGATACAAGAGGTCGAATGGCTCCTGCTGC[C>T]TGAAGAACAAAGAGGCAAAGAATATATTTCACCTACAAGCCATTTTAAAGTGAAATTCTG-3'